The following is an entry in ClinVar:

NM_002880.4(RAF1):c.285C>G (p.Cys95Trp)

Gene: RAF1 (Raf-1 proto-oncogene, serine/threonine kinase; minus strand). Cytogenetic location: 3p25.2.
Variant type: single nucleotide variant.
Coding change: c.285C>G on transcript NM_002880.4 (MANE Select); coding-DNA position 285, C replaced by G.
Protein change: p.Cys95Trp; replaces cysteine 95 with tryptophan.
Molecular consequence: missense variant. On other transcripts: non-coding transcript variant (3), intron variant (4).
Genome position (GRCh38, 1-based): chr3:12,611,985, G>C on the plus strand (C>G on the coding strand, the complement: RAF1 is on the minus strand). VCF-style: chr3-12611985-G-C. GRCh37 (hg19) VCF-style: chr3-12653484-G-C.
Other names: c.285C>G, p.Cys95Trp (NM_001354689.3, NM_001354690.3, NM_001354693.3); c.78-2650C>G (NM_001354695.3, NM_001354692.3, NM_001354694.3 and 1 more transcripts); short protein forms C95W.
Identifiers: ClinVar variation 165011 (VCV000165011.5), dbSNP rs727503384, ClinGen allele CA273221.

ClinVar aggregate classification (germline): Likely pathogenic (1 of 4 stars; one submission).

Conditions:
Noonan syndrome (NS). Also called: Noonan's syndrome. Identifiers: Orphanet 648, MedGen C0028326, MeSH D009634, MONDO:0018997. Disease mechanism: gain of function.

Submission:

Laboratory for Molecular Medicine, Mass General Brigham Personalized Medicine
Classification: Likely pathogenic for Noonan syndrome. Last evaluated: 2014-08-11. Review status: criteria provided, single submitter. Criteria: LMM Criteria. Collection method: clinical testing. Allele origin: germline. Observed: 1 variant allele.
Comment: Computational prediction t ools and conservation analysis suggest that the Cys95Trp variant may impact the protein, though this information is not predictive enough to determine pathogeni city. In summary, although additional studies are required to fully establish it s clinical significance, the Cys95Trp variant is likely pathogenic.